The following is an entry in ClinVar:

ClinVar aggregate classification (germline): Uncertain significance (1 of 4 stars; one submission).

Conditions:
Familial adenomatous polyposis 1 (FAP1). Also called: POLYPOSIS, ADENOMATOUS INTESTINAL; FAMILIAL ADENOMATOUS POLYPOSIS 1, ATTENUATED. Identifiers: MedGen C2713442, MONDO:0021056, OMIM 175100. Disease mechanism: loss of function.

Allele frequency attached by ClinVar (database versions not stated): gnomAD exomes below 0.00001; ExAC 0.00001; gnomAD 0.00001; 1000 Genomes Project 30x 0.00016; 1000 Genomes Project 0.00020.
gnomAD v4.1: 1 of 1,613,638 alleles (0.000062%); highest among the groups gnomAD compares: Admixed American, 0.0017%; no homozygotes.

Submission:

Labcorp Genetics (formerly Invitae), Labcorp
Classification: Uncertain significance for Familial adenomatous polyposis 1. Last evaluated: 2025-03-23. Review status: criteria provided, single submitter. Criteria: Invitae Variant Classification Sherloc (09022015). Collection method: clinical testing. Allele origin: germline.
Comment: This sequence change replaces alanine, which is neutral and non-polar, with threonine, which is neutral and polar, at codon 2 of the APC protein (p.Ala2Thr). This variant is present in population databases (rs569523442, gnomAD 0.003%). This variant has not been reported in the literature in individuals affected with APC-related conditions. ClinVar contains an entry for this variant (Variation ID: 1021295). Invitae Evidence Modeling of protein sequence and biophysical properties (such as structural, functional, and spatial information, amino acid conservation, physicochemical variation, residue mobility, and thermodynamic stability) indicates that this missense variant is not expected to disrupt APC protein function with a negative predictive value of 95%. In summary, the available evidence is currently insufficient to determine the role of this variant in disease. Therefore, it has been classified as a Variant of Uncertain Significance.

NM_000038.6(APC):c.4G>A (p.Ala2Thr)

Gene: APC (APC regulator of Wnt signaling pathway; plus strand). Cytogenetic location: 5q22.2.
Variant type: single nucleotide variant.
Coding change: c.4G>A on transcript NM_000038.6 (MANE Select); coding-DNA position 4, G replaced by A.
Protein change: p.Ala2Thr; replaces alanine 2 with threonine.
Molecular consequence: missense variant. On other transcripts: 5 prime UTR variant (1), intron variant (8).
Genome position (GRCh38, 1-based): chr5:112,754,894, G>A. VCF-style: chr5-112754894-G-A. GRCh37 (hg19) VCF-style: chr5-112090591-G-A.
Other names: c.4G>A, p.Ala2Thr (NM_001127510.3, NM_001354895.2, NM_001354896.2 and 2 more transcripts); c.-1032G>A (NM_001354906.2); c.166-11432G>A (NM_001354897.2, NM_001354902.2, NM_001127511.3); c.61-11432G>A (NM_001354898.2, NM_001354904.2); c.-42-11432G>A (NM_001354900.2, NM_001354901.2, NM_001354905.2); short protein forms A2T.
Identifiers: ClinVar variation 1021295 (VCV001021295.10), dbSNP rs569523442, ClinGen allele CA040361.
Genomic context (GRCh38, chr5:112,754,894, plus strand): 5'-TTTTAGTAGTGAATTTCAAAATCCTTTTTAACCTTATAGGTCCAAGGGTAGCCAAGGATG[G>A]CTGCAGCTTCATATGATCAGTTGTTAAAGCAAGTTGAGGCACTGAAGATGGAGAACTCAA-3'
Protein context (NP_000029.2, residues 1-12): M[Ala2Thr]AASYDQLLKQ